The following is an entry in ClinVar:

NM_001163809.2(WDR81):c.5328C>T (p.His1776=)

Gene: WDR81 (WD repeat domain 81; plus strand). Cytogenetic location: 17p13.3.
Variant type: single nucleotide variant.
Coding change: c.5328C>T on transcript NM_001163809.2 (MANE Select); coding-DNA position 5328, C replaced by T.
Protein change: p.His1776=; no amino-acid change (histidine 1776 retained).
Molecular consequence: synonymous variant.
Genome position (GRCh38, 1-based): chr17:1,736,041, C>T. VCF-style: chr17-1736041-C-T. GRCh37 (hg19) VCF-style: chr17-1639335-C-T.
Other names: c.1719C>T, p.His573= (NM_001163673.2); c.1647C>T, p.His549= (NM_001163811.2); c.2175C>T, p.His725= (NM_152348.4).
Identifiers: ClinVar variation 3047906 (VCV003047906.3), dbSNP rs373640255, ClinGen allele CA8273848.

ClinVar aggregate classification (germline): Likely benign. Review status: criteria provided, single submitter (1 of 4 stars). 2 submissions from 2 submitters: Likely benign (1). 1 of the submissions does not count toward it. Last evaluated 2025-02-16.

Conditions:
WDR81-related disorder. Also called: WDR81-related condition.

Allele frequency attached by ClinVar (database versions not stated): gnomAD 0.00011; TOPMed 0.00015; 1000 Genomes Project 30x 0.00016; ExAC 0.00017; 1000 Genomes Project 0.00020; ESP Exome Variant Server 0.00038.
gnomAD v4.1: 267 of 1,593,802 alleles (0.017%); highest among the groups gnomAD compares: Middle Eastern, 0.051%; no homozygotes.

Submissions (2):

Laboratory of Genetics, Children's Clinical University Hospital Latvia
Classification: Likely benign. Last evaluated: 2025-02-16. Review status: criteria provided, single submitter. Criteria: ACMG Guidelines, 2015. Collection method: clinical testing. Allele origin: germline. Affected: yes.

PreventionGenetics, part of Exact Sciences
Classification: Likely benign for WDR81-related condition. Last evaluated: 2019-02-21. Review status: no assertion criteria provided. Collection method: clinical testing. Allele origin: germline. Not counted in ClinVar's aggregate classification.
Comment: This variant is classified as likely benign based on ACMG/AMP sequence variant interpretation guidelines (Richards et al. 2015 PMID: 25741868, with internal and published modifications).